The following is an entry in ClinVar:

ClinVar aggregate classification (germline): Uncertain significance. Review status: criteria provided, multiple submitters, no conflicts (2 of 4 stars). 3 submissions from 3 submitters: Uncertain significance (3). Last evaluated 2023-12-05.

Conditions:
Hereditary cancer-predisposing syndrome. Also called: Tumor predisposition; Neoplastic Syndromes, Hereditary; Hereditary neoplastic syndrome; Hereditary Cancer Syndrome. Identifiers: Orphanet 140162, MedGen C0027672, MeSH D009386, MONDO:0015356.

Submissions (3):

Color Diagnostics, LLC DBA Color Health
Classification: Uncertain significance for Hereditary cancer-predisposing syndrome. Last evaluated: 2023-12-05. Review status: criteria provided, single submitter. Criteria: ACMG Guidelines, 2015. Collection method: clinical testing. Allele origin: germline.
Comment: This missense variant replaces arginine with threonine at codon 190 of the MSH6 protein. Computational prediction is inconclusive regarding the impact of this variant on protein structure and function (internally defined REVEL score threshold 0.5 < inconclusive < 0.7, PMID: 27666373). To our knowledge, functional studies have not been reported for this variant. This variant has not been reported in individuals affected with MSH6-related disorders in the literature. This variant has not been identified in the general population by the Genome Aggregation Database (gnomAD). The available evidence is insufficient to determine the role of this variant in disease conclusively. Therefore, this variant is classified as a Variant of Uncertain Significance.

Quest Diagnostics Nichols Institute San Juan Capistrano
Classification: Uncertain significance. Last evaluated: 2022-09-22. Review status: criteria provided, single submitter. Criteria: Quest Diagnostics criteria. Collection method: clinical testing. Allele origin: unknown.
Comment: The variant has not been reported in the published literature. It also has not been reported in large, multi-ethnic general populations. Analysis of this variant using bioinformatics tools for the prediction of the effect of amino acid changes on protein structure and function yielded inconclusive predictions. Based on the available information, we are unable to determine the clinical significance of this variant.

Ambry Genetics
Classification: Uncertain significance for Hereditary cancer-predisposing syndrome. Last evaluated: 2021-05-20. Review status: criteria provided, single submitter. Criteria: Ambry Variant Classification Scheme 2023. Collection method: clinical testing. Allele origin: germline.
Comment: The p.R190T variant (also known as c.569G>C), located in coding exon 3 of the MSH6 gene, results from a G to C substitution at nucleotide position 569. The arginine at codon 190 is replaced by threonine, an amino acid with similar properties. This amino acid position is highly conserved in available vertebrate species. In addition, the in silico prediction for this alteration is inconclusive. Since supporting evidence is limited at this time, the clinical significance of this alteration remains unclear.

NM_000179.3(MSH6):c.569G>C (p.Arg190Thr)

Gene: MSH6 (mutS homolog 6; plus strand). Cytogenetic location: 2p16.3.
Variant type: single nucleotide variant.
Coding change: c.569G>C on transcript NM_000179.3 (MANE Select); coding-DNA position 569, G replaced by C.
Protein change: p.Arg190Thr; replaces arginine 190 with threonine.
Molecular consequence: missense variant. On other transcripts: 5 prime UTR variant (1), intron variant (2).
Genome position (GRCh38, 1-based): chr2:47,796,005, G>C. VCF-style: chr2-47796005-G-C. GRCh37 (hg19) VCF-style: chr2-48023144-G-C.
Other names: c.-334G>C (NM_001281494.2); c.-279-2606G>C (NM_001281493.2); c.238-2606G>C (NM_001281492.2); short protein forms R190T.
Identifiers: ClinVar variation 631013 (VCV000631013.8), dbSNP rs1558656670, ClinGen allele CA346738788.